The following is an entry in ClinVar:

ClinVar aggregate classification (germline): Conflicting classifications of pathogenicity. Review status: criteria provided, conflicting classifications (1 of 4 stars). 2 submissions from 2 submitters: Uncertain significance (1); Likely benign (1). Last evaluated 2025-06-29.

Conditions:
KBG syndrome (KBGS). Also called: ANKRD11-Related KBG Syndrome. Identifiers: Orphanet 2332, MedGen C0220687, MONDO:0007846, OMIM 148050.
Inborn genetic diseases. Identifiers: MedGen C0950123, MeSH D030342.

gnomAD v4.1: 3 of 1,607,670 alleles (0.00019%); highest among the groups gnomAD compares: African/African-American, 0.0027%; no homozygotes.

Submissions (2):

Labcorp Genetics (formerly Invitae), Labcorp
Classification: Uncertain significance for KBG syndrome. Last evaluated: 2025-06-29. Review status: criteria provided, single submitter. Criteria: Invitae Variant Classification Sherloc (09022015). Collection method: clinical testing. Allele origin: germline.
Comment: This sequence change replaces arginine, which is basic and polar, with histidine, which is basic and polar, at codon 2107 of the ANKRD11 protein (p.Arg2107His). This variant is not present in population databases (gnomAD no frequency). This variant has not been reported in the literature in individuals affected with ANKRD11-related conditions. Invitae Evidence Modeling of protein sequence and biophysical properties (such as structural, functional, and spatial information, amino acid conservation, physicochemical variation, residue mobility, and thermodynamic stability) indicates that this missense variant is not expected to disrupt ANKRD11 protein function with a negative predictive value of 95%. In summary, the available evidence is currently insufficient to determine the role of this variant in disease. Therefore, it has been classified as a Variant of Uncertain Significance.

Ambry Genetics
Classification: Likely benign for Inborn genetic diseases. Last evaluated: 2025-03-16. Review status: criteria provided, single submitter. Criteria: Ambry Variant Classification Scheme 2023. Collection method: clinical testing. Allele origin: germline.

NM_013275.6(ANKRD11):c.6320G>A (p.Arg2107His)

Gene: ANKRD11 (ankyrin repeat domain 11; minus strand). Cytogenetic location: 16q24.3.
Variant type: single nucleotide variant.
Coding change: c.6320G>A on transcript NM_013275.6 (MANE Select); coding-DNA position 6320, G replaced by A.
Protein change: p.Arg2107His; replaces arginine 2107 with histidine.
Molecular consequence: missense variant.
Genome position (GRCh38, 1-based): chr16:89,280,222, C>T on the plus strand (G>A on the coding strand, the complement: ANKRD11 is on the minus strand). VCF-style: chr16-89280222-C-T. GRCh37 (hg19) VCF-style: chr16-89346630-C-T.
Other names: c.6320G>A, p.Arg2107His (NM_001256182.2, NM_001256183.2); short protein forms R2107H.
Identifiers: ClinVar variation 4054146 (VCV004054146.2).